The following is an entry in ClinVar:

ClinVar aggregate classification (germline): Uncertain significance (1 of 4 stars; one submission).

Allele frequency attached by ClinVar (database versions not stated): TOPMed 0.00001.
gnomAD v4.1: 8 of 1,603,392 alleles (0.0005%); highest among the groups gnomAD compares: Non-Finnish European, 0.00043%; no homozygotes.

Submission:

Labcorp Genetics (formerly Invitae), Labcorp
Classification: Uncertain significance. Last evaluated: 2022-01-16. Review status: criteria provided, single submitter. Criteria: Invitae Variant Classification Sherloc (09022015). Collection method: clinical testing. Allele origin: germline.
Comment: In summary, the available evidence is currently insufficient to determine the role of this variant in disease. Therefore, it has been classified as a Variant of Uncertain Significance. Algorithms developed to predict the effect of sequence changes on RNA splicing suggest that this variant is not likely to affect RNA splicing. This variant has not been reported in the literature in individuals affected with AK7-related conditions. This variant is present in population databases (no rsID available, gnomAD 0.009%). This sequence change affects codon 134 of the AK7 mRNA. It is a 'silent' change, meaning that it does not change the encoded amino acid sequence of the AK7 protein. It affects a nucleotide within the consensus splice site.

NM_152327.5(AK7):c.402T>C (p.Ser134=)

Gene: AK7 (adenylate kinase 7; plus strand). Cytogenetic location: 14q32.2.
Variant type: single nucleotide variant.
Coding change: c.402T>C on transcript NM_152327.5 (MANE Select); coding-DNA position 402, T replaced by C.
Protein change: p.Ser134=; no amino-acid change (serine 134 retained).
Molecular consequence: synonymous variant.
Genome position (GRCh38, 1-based): chr14:96,404,864, T>C. VCF-style: chr14-96404864-T-C. GRCh37 (hg19) VCF-style: chr14-96871201-T-C.
Other names: c.402T>C, p.Ser134= (NM_001350888.2, NM_001350890.2, NM_001350891.2 and 1 more transcripts).
Identifiers: ClinVar variation 2085486 (VCV002085486.4), dbSNP rs931706421, ClinGen allele CA266039121.